The following is an entry in ClinVar:

Conditions:
Breast-ovarian cancer, familial, susceptibility to, 1 (BROVCA1). Also called: BRCA1 Hereditary Breast and Ovarian Cancer; OVARIAN CANCER, SUSCEPTIBILITY TO. Identifiers: Orphanet 145, MedGen C2676676, MONDO:0011450, OMIM 604370. Disease mechanism: loss of function.

Submission:

Brotman Baty Institute, University of Washington
No classification provided (evidence only). Condition: Breast-ovarian cancer, familial 1. Review status: no classification provided. Collection method: in vitro. Allele origin: not applicable. Functional consequence: functionally_normal.
ClinVar note: "not provided" was previously submitted as the classification for the variant. However, the classification appeared to be based only on an observation of functional data so it was converted to no classification on 2025-07-30.

NM_007294.4(BRCA1):c.257T>A (p.Leu86Gln)

Gene: BRCA1 (BRCA1 DNA repair associated; minus strand). Cytogenetic location: 17q21.31.
Variant type: single nucleotide variant.
Coding change: c.257T>A on transcript NM_007294.4 (MANE Select); coding-DNA position 257, T replaced by A.
Protein change: p.Leu86Gln; replaces leucine 86 with glutamine.
Molecular consequence: missense variant. On other transcripts: non-coding transcript variant (1).
Genome position (GRCh38, 1-based): chr17:43,104,912, A>T on the plus strand (T>A on the coding strand, the complement: BRCA1 is on the minus strand). VCF-style: chr17-43104912-A-T. GRCh37 (hg19) VCF-style: chr17-41256929-A-T.
Other names: c.257T>A, p.Leu86Gln (NM_001408396.1, NM_001408397.1, NM_001408398.1 and 168 more transcripts); c.179T>A, p.Leu60Gln (NM_001408409.1, NM_001408411.1, NM_001408412.1 and 21 more transcripts); c.116T>A, p.Leu39Gln (NM_001408410.1, NM_001408452.1, NM_001408453.1 and 99 more transcripts); c.125T>A, p.Leu42Gln (NM_001408451.1); c.47T>A, p.Leu16Gln (NM_001408478.1, NM_001408479.1, NM_001408480.1 and 58 more transcripts); c.-125T>A (NM_001408510.1, NM_001408512.1, NM_001407959.1 and 4 more transcripts); short protein forms L39Q, L86Q, L60Q, L42Q, L16Q.
Identifiers: ClinVar variation 865338 (VCV000865338.3), dbSNP rs2054683731, ClinGen allele CA10601641.
Genomic context (GRCh38, chr17:43,104,912, plus strand): 5'-GATATTCAACACTTACACTCCAAACCTGTGTCAAGCTGAAAAGCACAAATGATTTTCAAT[A>T]GCTCTTCAACAAGTTGACTAAATCTCGTACTTTCTTGTAGGCTCCTGAAATTAAATTGTT-3'
Protein context (NP_009225.1, residues 76-96): STRFSQLVEE[Leu86Gln]LKIICAFQLD